The following is an entry in ClinVar:

NM_152490.5(B3GALNT2):c.1373G>A (p.Ser458Asn)

Genes: B3GALNT2 (beta-1,3-N-acetylgalactosaminyltransferase 2; minus strand), TBCE (tubulin folding cofactor E; plus strand). Cytogenetic location: 1q42.3.
Variant type: single nucleotide variant.
Coding change: c.1373G>A on transcript NM_152490.5 (MANE Select); coding-DNA position 1373, G replaced by A.
Protein change: p.Ser458Asn; replaces serine 458 with asparagine.
Molecular consequence: missense variant. On other transcripts: 3 prime UTR variant (4).
Genome position (GRCh38, 1-based): chr1:235,450,336, C>T on the plus strand (G>A on the coding strand, the complement: B3GALNT2 is on the minus strand). VCF-style: chr1-235450336-C-T. GRCh37 (hg19) VCF-style: chr1-235613651-C-T.
Other names: c.*1574C>T (NM_001079515.3, NM_001287801.2, NM_001287802.2 and 1 more transcripts); short protein forms S458N.
Identifiers: ClinVar variation 387830 (VCV000387830.12), dbSNP rs202067569, ClinGen allele CA1464598.
Genomic context (GRCh38, chr1:235,450,336, plus strand): 5'-GGAGAATACTGAGGAGAAGACAGCATTCCTGTCTCACAGGTCTTCTCACACAGCCACAGA[C>T]TGTCCTGTTGAGAAACAACCAAAGCCGATCTGAGAGTGGTGAAACTGTTTTAAGAGCATC-3'
Protein context (NP_689703.1, residues 448-468): AAIGPKRYQD[Ser458Asn]LWLCEKTCET

ClinVar aggregate classification (germline): Uncertain significance. Review status: criteria provided, multiple submitters, no conflicts (2 of 4 stars). 4 submissions from 4 submitters: Uncertain significance (4). Last evaluated 2025-09-22.

Conditions:
Inborn genetic diseases. Identifiers: MedGen C0950123, MeSH D030342.
Muscular dystrophy-dystroglycanopathy (congenital with brain and eye anomalies), type a, 11 (MDDGA11). Also called: Muscular dystrophy-dystroglycanopathy (congenital with brain and eye anomalies, type A, 11; Congenital muscular dystrophy-dystroglycanopathy with brain and eye anomalies, type A11; WALKER-WARBURG SYNDROME OR MUSCLE-EYE-BRAIN DISEASE, B3GALNT2-RELATED. Identifiers: Orphanet 588, Orphanet 899, MedGen C3554638, MONDO:0014071, OMIM 615181.

Allele frequency attached by ClinVar (database versions not stated): ExAC 0.00005; TOPMed 0.00009; gnomAD exomes 0.00011 and 0.00006; ESP Exome Variant Server 0.00015; gnomAD 0.00008 and 0.00009.
gnomAD v4.1: 174 of 1,613,932 alleles (0.011%); highest among the groups gnomAD compares: Non-Finnish European, 0.013%; no homozygotes.

Submissions (4):

Ambry Genetics
Classification: Uncertain significance for Inborn genetic diseases. Last evaluated: 2025-09-22. Review status: criteria provided, single submitter. Criteria: Ambry Variant Classification Scheme 2023. Collection method: clinical testing. Allele origin: germline.

Labcorp Genetics (formerly Invitae), Labcorp
Classification: Uncertain significance for Muscular dystrophy-dystroglycanopathy (congenital with brain and eye anomalies), type a, 11. Last evaluated: 2024-10-21. Review status: criteria provided, single submitter. Criteria: Invitae Variant Classification Sherloc (09022015). Collection method: clinical testing. Allele origin: germline.
Comment: This sequence change replaces serine, which is neutral and polar, with asparagine, which is neutral and polar, at codon 458 of the B3GALNT2 protein (p.Ser458Asn). This variant is present in population databases (rs202067569, gnomAD 0.01%). This variant has not been reported in the literature in individuals affected with B3GALNT2-related conditions. ClinVar contains an entry for this variant (Variation ID: 387830). Invitae Evidence Modeling of protein sequence and biophysical properties (such as structural, functional, and spatial information, amino acid conservation, physicochemical variation, residue mobility, and thermodynamic stability) indicates that this missense variant is not expected to disrupt B3GALNT2 protein function with a negative predictive value of 80%. In summary, the available evidence is currently insufficient to determine the role of this variant in disease. Therefore, it has been classified as a Variant of Uncertain Significance.

GeneDx
Classification: Uncertain significance. Last evaluated: 2020-09-09. Review status: criteria provided, single submitter. Criteria: GeneDx Variant Classification Process June 2021. Collection method: clinical testing. Allele origin: germline. Affected: yes.
Comment: Has not been previously published as pathogenic or benign to our knowledge; Not observed at a significant frequency in large population cohorts (Lek et al., 2016); In silico analysis, which includes protein predictors and evolutionary conservation, supports that this variant does not alter protein structure/function

Revvity Omics, Revvity
Classification: Uncertain significance for Muscular dystrophy-dystroglycanopathy (congenital with brain and eye anomalies), type a, 11. Last evaluated: 2020-02-20. Review status: criteria provided, single submitter. Criteria: ACMG Guidelines, 2015. Collection method: clinical testing. Allele origin: germline.